The following is an entry in ClinVar:

ClinVar aggregate classification (germline): Uncertain significance. Review status: criteria provided, multiple submitters, no conflicts (2 of 4 stars). 5 submissions from 5 submitters: Uncertain significance (5). Last evaluated 2026-09-25.

Conditions:
Cardiovascular phenotype. Identifiers: MedGen CN230736.
KCNJ5-related disorder. Also called: KCNJ5-related condition.
Long QT syndrome (LQTS). Identifiers: MedGen C0023976, MeSH D008133, MONDO:0002442. Disease mechanism: loss of function. Inheritance: Various modes of inheritance.
Familial hyperaldosteronism type III. Also called: FH III; Familial hyperaldosteronism type 3. Identifiers: Orphanet 251274, MedGen C3838758, MONDO:0013359, OMIM 613677.
Long QT syndrome 13 (LQT13). Identifiers: Orphanet 101016, Orphanet 768, MedGen C3150733, MONDO:0013279, OMIM 613485.

Allele frequency attached by ClinVar (database versions not stated): gnomAD exomes below 0.00001 and 0.00001; ExAC 0.00001; TOPMed 0.00002; gnomAD 0.00003.

Submissions (5):

PreventionGenetics, part of Exact Sciences
Classification: Uncertain significance for KCNJ5-related condition. Last evaluated: 2026-09-25. Review status: criteria provided, single submitter. Criteria: ACMG Guidelines, 2015. Collection method: clinical testing. Allele origin: germline.
Comment: The KCNJ5 c.955C>T variant is predicted to result in the amino acid substitution p.Arg319Trp. To our knowledge, this variant has not been reported in the literature. This variant is reported in 0.0016% of alleles in individuals of European (Non-Finnish) descent in gnomAD. At this time, the clinical significance of this variant is uncertain due to the absence of conclusive functional and genetic evidence.

Ambry Genetics
Classification: Uncertain significance for Cardiovascular phenotype. Last evaluated: 2025-09-29. Review status: criteria provided, single submitter. Criteria: Ambry Variant Classification Scheme 2023. Collection method: clinical testing. Allele origin: germline.
Comment: The p.R319W variant (also known as c.955C>T), located in coding exon 2 of the KCNJ5 gene, results from a C to T substitution at nucleotide position 955. The arginine at codon 319 is replaced by tryptophan, an amino acid with dissimilar properties. This amino acid position is highly conserved in available vertebrate species. In addition, this alteration is predicted to be deleterious by in silico analysis. Based on the available evidence, the clinical significance of this variant remains unclear.

Labcorp Genetics (formerly Invitae), Labcorp
Classification: Uncertain significance for Long QT syndrome. Last evaluated: 2023-06-20. Review status: criteria provided, single submitter. Criteria: Invitae Variant Classification Sherloc (09022015). Collection method: clinical testing. Allele origin: germline.
Comment: Advanced modeling of protein sequence and biophysical properties (such as structural, functional, and spatial information, amino acid conservation, physicochemical variation, residue mobility, and thermodynamic stability) performed at Invitae indicates that this missense variant is expected to disrupt KCNJ5 protein function. In summary, the available evidence is currently insufficient to determine the role of this variant in disease. Therefore, it has been classified as a Variant of Uncertain Significance. This sequence change replaces arginine, which is basic and polar, with tryptophan, which is neutral and slightly polar, at codon 319 of the KCNJ5 protein (p.Arg319Trp). This variant is present in population databases (rs778735978, gnomAD 0.002%). This variant has not been reported in the literature in individuals affected with KCNJ5-related conditions. ClinVar contains an entry for this variant (Variation ID: 1326808).

Fulgent Genetics
Classification: Uncertain significance for Long QT syndrome 13; Familial hyperaldosteronism type III. Last evaluated: 2022-05-09. Review status: criteria provided, single submitter. Criteria: ACMG Guidelines, 2015. Collection method: clinical testing. Allele origin: unknown.

GeneDx
Classification: Uncertain significance. Last evaluated: 2021-05-24. Review status: criteria provided, single submitter. Criteria: GeneDx Variant Classification Process June 2021. Collection method: clinical testing. Allele origin: germline. Affected: yes.
Comment: Has not been previously published as pathogenic or benign to our knowledge; Not observed at significant frequency in large population cohorts (Lek et al., 2016); In silico analysis supports that this missense variant has a deleterious effect on protein structure/function

NM_000890.5(KCNJ5):c.955C>T (p.Arg319Trp)

Gene: KCNJ5 (potassium inwardly rectifying channel subfamily J member 5; plus strand). Cytogenetic location: 11q24.3.
Variant type: single nucleotide variant.
Coding change: c.955C>T on transcript NM_000890.5 (MANE Select); coding-DNA position 955, C replaced by T.
Protein change: p.Arg319Trp; replaces arginine 319 with tryptophan.
Molecular consequence: missense variant.
Genome position (GRCh38, 1-based): chr11:128,916,426, C>T. VCF-style: chr11-128916426-C-T. GRCh37 (hg19) VCF-style: chr11-128786321-C-T.
Other names: c.955C>T, p.Arg319Trp (NM_001354169.2); short protein forms R319W.
Identifiers: ClinVar variation 1326808 (VCV001326808.8), dbSNP rs778735978, ClinGen allele CA6357981.